The following is an entry in ClinVar:

NM_016035.5(COQ4):c.595G>A (p.Ala199Thr)

Gene: COQ4 (coenzyme Q4; plus strand). Cytogenetic location: 9q34.11.
Variant type: single nucleotide variant.
Coding change: c.595G>A on transcript NM_016035.5 (MANE Select); coding-DNA position 595, G replaced by A.
Protein change: p.Ala199Thr; replaces alanine 199 with threonine.
Molecular consequence: missense variant. On other transcripts: intron variant (1).
Genome position (GRCh38, 1-based): chr9:128,332,912, G>A. VCF-style: chr9-128332912-G-A. GRCh37 (hg19) VCF-style: chr9-131095191-G-A.
Other names: c.*3-562G>A (NM_001305942.2); short protein forms A199T.
Identifiers: ClinVar variation 4293247 (VCV004293247.1).

ClinVar aggregate classification (germline): Uncertain significance (1 of 4 stars; one submission).

Conditions:
Spastic ataxia 10, autosomal recessive (SPAX10). Identifiers: MedGen C5882738, MONDO:0958009, OMIM 620666.

gnomAD v4.1: 1 of 1,614,168 alleles (0.000062%); highest among the groups gnomAD compares: Admixed American, 0.0017%; no homozygotes.

Submission:

3billion
Classification: Uncertain significance for Spastic ataxia 10, autosomal recessive. Last evaluated: 2024-08-06. Review status: criteria provided, single submitter. Criteria: ACMG Guidelines, 2015. Collection method: clinical testing. Allele origin: germline. Affected: yes.
Comment: The variant is observed at an extremely low frequency in the gnomAD v4.0.0 dataset (total allele frequency: <0.001%). Predicted Consequence/Location: Missense variant In silico tool predictions suggest damaging effect of the variant on gene or gene product [3Cnet: 0.89 (>=0.6, sensitivity 0.72 and precision 0.9)]. Therefore, this variant is classified as VUS according to the recommendation of ACMG/AMP guideline.